The following is an entry in ClinVar:

NM_201384.3(PLEC):c.8837G>A (p.Arg2946His)

Gene: PLEC (plectin; minus strand). Cytogenetic location: 8q24.3.
Variant type: single nucleotide variant.
Coding change: c.8837G>A on transcript NM_201384.3 (MANE Select); coding-DNA position 8837, G replaced by A.
Protein change: p.Arg2946His; replaces arginine 2946 with histidine.
Molecular consequence: missense variant.
Genome position (GRCh38, 1-based): chr8:143,920,984, C>T on the plus strand (G>A on the coding strand, the complement: PLEC is on the minus strand). VCF-style: chr8-143920984-C-T. GRCh37 (hg19) VCF-style: chr8-144995152-C-T.
Other names: c.8918G>A (NM_000445.3); c.8918G>A, p.Arg2973His (NM_000445.5); c.8795G>A, p.Arg2932His (NM_201378.4); c.8771G>A, p.Arg2924His (NM_201379.3); c.9248G>A, p.Arg3083His (NM_201380.4); c.8741G>A, p.Arg2914His (NM_201381.3); c.8837G>A, p.Arg2946His (NM_201382.4); c.8849G>A, p.Arg2950His (NM_201383.3); short protein forms R2946H, R2914H, R2950H, R2973H, R3083H, R2924H, R2932H.
Identifiers: ClinVar variation 966745 (VCV000966745.26), dbSNP rs782797178, ClinGen allele CA4925166.

ClinVar aggregate classification (germline): Uncertain significance. Review status: criteria provided, multiple submitters, no conflicts (2 of 4 stars). 3 submissions from 3 submitters: Uncertain significance (3). Last evaluated 2025-04-27.

Conditions:
Inborn genetic diseases. Identifiers: MedGen C0950123, MeSH D030342.
Autosomal recessive limb-girdle muscular dystrophy type 2Q (LGMDR17). Also called: MUSCULAR DYSTROPHY, LIMB-GIRDLE, AUTOSOMAL RECESSIVE 17. Identifiers: Orphanet 254361, MedGen C3150989, MONDO:0013390, OMIM 613723.
Epidermolysis bullosa simplex 5B, with muscular dystrophy (EBS5B). Also called: Epidermolysis bullosa simplex with muscular dystrophy; EPIDERMOLYSIS BULLOSA SIMPLEX AND LIMB-GIRDLE MUSCULAR DYSTROPHY. Identifiers: Orphanet 257, MedGen C2931072, MONDO:0009181, OMIM 226670.
Epidermolysis bullosa simplex 5C, with pyloric atresia (EBS5C). Also called: PLEC1-Related Epidermolysis Bullosa with Pyloric Atresia; PLEC-Related Epidermolysis Bullosa with Pyloric Atresia; Epidermolysis bullosa simplex with pyloric atresia. Identifiers: Orphanet 158684, MedGen C2677349, MONDO:0012807, OMIM 612138.
Epidermolysis bullosa simplex, Ogna type (EBS5A). Also called: Pidermolysis bullosa simplex 5A, Ogna type; EPIDERMOLYSIS BULLOSA SIMPLEX 5A, OGNA TYPE. Identifiers: Orphanet 79401, MedGen C0432317, MONDO:0007555, OMIM 131950.
Epidermolysis bullosa simplex with nail dystrophy (EBS5D). Identifiers: MedGen C4225309, MONDO:0014661, OMIM 616487.

Allele frequency attached by ClinVar (database versions not stated): gnomAD exomes 0.00001 and 0.00002; gnomAD 0.00002 and 0.00003; ExAC 0.00003; TOPMed 0.00004; 1000 Genomes Project 30x 0.00016.

Submissions (3):

Labcorp Genetics (formerly Invitae), Labcorp
Classification: Uncertain significance for Autosomal recessive limb-girdle muscular dystrophy type 2Q; Epidermolysis bullosa simplex, Ogna type; Epidermolysis bullosa simplex with nail dystrophy; Epidermolysis bullosa simplex 5C, with pyloric atresia; Epidermolysis bullosa simplex 5B, with muscular dystrophy. Last evaluated: 2025-04-27. Review status: criteria provided, single submitter. Criteria: Invitae Variant Classification Sherloc (09022015). Collection method: clinical testing. Allele origin: germline.
Comment: This sequence change replaces arginine, which is basic and polar, with histidine, which is basic and polar, at codon 2973 of the PLEC protein (p.Arg2973His). This variant is present in population databases (rs782797178, gnomAD 0.007%). This variant has not been reported in the literature in individuals affected with PLEC-related conditions. ClinVar contains an entry for this variant (Variation ID: 966745). An algorithm developed to predict the effect of missense changes on protein structure and function (PolyPhen-2) suggests that this variant is likely to be disruptive. In summary, the available evidence is currently insufficient to determine the role of this variant in disease. Therefore, it has been classified as a Variant of Uncertain Significance.

CeGaT Center for Human Genetics Tuebingen
Classification: Uncertain significance. Last evaluated: 2024-07-01. Review status: criteria provided, single submitter. Criteria: CeGaT Center For Human Genetics Tuebingen Variant Classification Criteria Version 2. Collection method: clinical testing. Allele origin: germline. Affected: yes. Observed: 1 variant allele.
Comment: PLEC: PM2

Ambry Genetics
Classification: Uncertain significance for Inborn genetic diseases. Last evaluated: 2023-07-19. Review status: criteria provided, single submitter. Criteria: Ambry Variant Classification Scheme 2023. Collection method: clinical testing. Allele origin: germline.